The following is an entry in ClinVar:

NM_000222.3(KIT):c.1651C>A (p.Pro551Thr)

Gene: KIT (KIT proto-oncogene, receptor tyrosine kinase; plus strand). Cytogenetic location: 4q12.
Variant type: single nucleotide variant.
Coding change: c.1651C>A on transcript NM_000222.3 (MANE Select); coding-DNA position 1651, C replaced by A.
Protein change: p.Pro551Thr; replaces proline 551 with threonine.
Molecular consequence: missense variant.
Genome position (GRCh38, 1-based): chr4:54,727,419, C>A. VCF-style: chr4-54727419-C-A. GRCh37 (hg19) VCF-style: chr4-55593585-C-A.
Other names: c.1639C>A, p.Pro547Thr (NM_001093772.2, NM_001385286.1); c.1654C>A, p.Pro552Thr (NM_001385284.1, NM_001385290.1); c.1651C>A, p.Pro551Thr (NM_001385285.1); c.1642C>A, p.Pro548Thr (NM_001385288.1, NM_001385292.1); short protein forms P551T, P547T, P548T, P552T.
Identifiers: ClinVar variation 838232 (VCV000838232.8), dbSNP rs1722299272, ClinGen allele CA356907421.
Genomic context (GRCh38, chr4:54,727,419, plus strand): 5'-TAATGACTGAGACAATAATTATTAAAAGGTGATCTATTTTTCCCTTTCTCCCCACAGAAA[C>A]CCATGTATGAAGTACAGTGGAAGGTTGTTGAGGAGATAAATGGAAACAATTATGTTTACA-3'
Protein context (NP_000213.1, residues 541-561): MILTYKYLQK[Pro551Thr]MYEVQWKVVE

ClinVar aggregate classification (germline): Uncertain significance (1 of 4 stars; one submission).

Conditions:
Gastrointestinal stromal tumor. Also called: Gastrointestinal stromal tumor, somatic; Gastrointestinal stroma tumor. Identifiers: Orphanet 44890, MedGen C0238198, MeSH D046152, MONDO:0011719, OMIM 606764, HP:0100723.

gnomAD v4.1: 1 of 1,614,128 alleles (0.000062%); highest among the groups gnomAD compares: Admixed American, 0.0017%; no homozygotes.

Submission:

Labcorp Genetics (formerly Invitae), Labcorp
Classification: Uncertain significance for Gastrointestinal stromal tumor. Last evaluated: 2024-05-06. Review status: criteria provided, single submitter. Criteria: Invitae Variant Classification Sherloc (09022015). Collection method: clinical testing. Allele origin: germline.
Comment: This sequence change replaces proline, which is neutral and non-polar, with threonine, which is neutral and polar, at codon 551 of the KIT protein (p.Pro551Thr). This variant is not present in population databases (gnomAD no frequency). This variant has not been reported in the literature in individuals affected with KIT-related conditions. ClinVar contains an entry for this variant (Variation ID: 838232). An algorithm developed to predict the effect of missense changes on protein structure and function (PolyPhen-2) suggests that this variant is likely to be disruptive. In summary, the available evidence is currently insufficient to determine the role of this variant in disease. Therefore, it has been classified as a Variant of Uncertain Significance.